The following is an entry in ClinVar:

ClinVar aggregate classification (germline): Uncertain significance (1 of 4 stars; one submission).

Allele frequency attached by ClinVar (database versions not stated): gnomAD 0.00001.
gnomAD v4.1: 2 of 1,614,094 alleles (0.00012%); highest among the groups gnomAD compares: Non-Finnish European, 0.00017%; no homozygotes.

Submission:

Labcorp Genetics (formerly Invitae), Labcorp
Classification: Uncertain significance. Last evaluated: 2023-03-02. Review status: criteria provided, single submitter. Criteria: Invitae Variant Classification Sherloc (09022015). Collection method: clinical testing. Allele origin: germline.
Comment: Advanced modeling of protein sequence and biophysical properties (such as structural, functional, and spatial information, amino acid conservation, physicochemical variation, residue mobility, and thermodynamic stability) performed at Invitae indicates that this missense variant is not expected to disrupt SRCAP protein function. This variant has not been reported in the literature in individuals affected with SRCAP-related conditions. This variant is not present in population databases (gnomAD no frequency). This sequence change replaces threonine, which is neutral and polar, with serine, which is neutral and polar, at codon 3030 of the SRCAP protein (p.Thr3030Ser). In summary, the available evidence is currently insufficient to determine the role of this variant in disease. Therefore, it has been classified as a Variant of Uncertain Significance.

NM_006662.3(SRCAP):c.9089C>G (p.Thr3030Ser)

Gene: SRCAP (Snf2 related CREBBP activator protein; plus strand). Cytogenetic location: 16p11.2.
Variant type: single nucleotide variant.
Coding change: c.9089C>G on transcript NM_006662.3 (MANE Select); coding-DNA position 9089, C replaced by G.
Protein change: p.Thr3030Ser; replaces threonine 3030 with serine.
Molecular consequence: missense variant.
Genome position (GRCh38, 1-based): chr16:30,739,129, C>G. VCF-style: chr16-30739129-C-G. GRCh37 (hg19) VCF-style: chr16-30750450-C-G.
Other names: short protein forms T3030S.
Identifiers: ClinVar variation 2874547 (VCV002874547.3), dbSNP rs1344616436, ClinGen allele CA395642854.
Genomic context (GRCh38, chr16:30,739,129, plus strand): 5'-CTCCCAAGAATCCTCCATCACCTCGGCCCAGCCAGCTCCCCGTCTTGGACCGTGACAGCA[C>G]TTCTGTTCTCGAGAGCTGTGGATTGGGGAGGCGACGGCAACCCCAGGGCCAAGGGGAGAG-3'
Protein context (NP_006653.2, residues 3020-3040): SQLPVLDRDS[Thr3030Ser]SVLESCGLGR